The following is an entry in ClinVar:

ClinVar aggregate classification (germline): Benign/Likely benign. Review status: criteria provided, multiple submitters, no conflicts (2 of 4 stars). 4 submissions from 4 submitters: Benign (3); Likely benign (1). Last evaluated 2025-01-24.

Conditions:
Long QT syndrome (LQTS). Identifiers: MedGen C0023976, MeSH D008133, MONDO:0002442. Disease mechanism: loss of function. Inheritance: Various modes of inheritance.

Allele frequency attached by ClinVar (database versions not stated): gnomAD exomes 0.00010 and 0.00015; ExAC 0.00011; ESP Exome Variant Server 0.00015; 1000 Genomes Project 30x 0.00078; gnomAD 0.00078 and 0.00082; 1000 Genomes Project 0.00080; TOPMed 0.00090.
gnomAD v4.1: 271 of 1,612,552 alleles (0.017%); highest among the groups gnomAD compares: African/African-American, 0.26%; 1 homozygote.

Submissions (4):

Labcorp Genetics (formerly Invitae), Labcorp
Classification: Benign for Long QT syndrome. Last evaluated: 2025-01-24. Review status: criteria provided, single submitter. Criteria: Invitae Variant Classification Sherloc (09022015). Collection method: clinical testing. Allele origin: germline.

Blueprint Genetics
Classification: Likely benign. Last evaluated: 2024-07-15. Review status: criteria provided, single submitter. Criteria: ACMG Guidelines, 2015. Collection method: clinical testing. Allele origin: germline.

Women's Health and Genetics/Laboratory Corporation of America, LabCorp
Classification: Benign. Last evaluated: 2021-04-26. Review status: criteria provided, single submitter. Criteria: LabCorp Variant Classification Summary - May 2015. Collection method: clinical testing. Allele origin: germline.
Comment: Variant summary: KCNH2 c.2145+16C>T alters a non-conserved nucleotide located close to a canonical splice site and therefore could affect mRNA splicing, leading to a significantly altered protein sequence. The variant allele was found at a frequency of 0.00015 in 251088 control chromosomes, predominantly at a frequency of 0.0019 within the African or African-American subpopulation in the gnomAD database. The observed variant frequency within African or African-American control individuals in the gnomAD database is approximately 19 fold of the estimated maximal expected allele frequency for a pathogenic variant in KCNH2 causing Arrhythmia phenotype (0.0001), strongly suggesting that the variant is a benign polymorphism found primarily in populations of African or African-American origin. To our knowledge, no occurrence of c.2145+16C>T in individuals affected with Arrhythmia and no experimental evidence demonstrating its impact on protein function have been reported. No clinical diagnostic laboratories have submitted clinical-significance assessments for this variant to ClinVar after 2014. Based on the evidence outlined above, the variant was classified as benign.

GeneDx
Classification: Benign. Last evaluated: 2015-03-03. Review status: criteria provided, single submitter. Criteria: GeneDx Variant Classification Process June 2021. Collection method: clinical testing. Allele origin: germline. Affected: yes.

NM_000238.4(KCNH2):c.2145+16C>T

Gene: KCNH2 (potassium voltage-gated channel subfamily H member 2; minus strand). Cytogenetic location: 7q36.1.
Variant type: single nucleotide variant.
Coding change: c.2145+16C>T on transcript NM_000238.4 (MANE Select); 16 bases into the intron after coding-DNA position 2145, C replaced by T.
Molecular consequence: intron variant.
Genome position (GRCh38, 1-based): chr7:150,950,905, G>A on the plus strand (C>T on the coding strand, the complement: KCNH2 is on the minus strand). VCF-style: chr7-150950905-G-A. GRCh37 (hg19) VCF-style: chr7-150647993-G-A.
Other names: c.1857+16C>T (NM_001406753.1, NM_001406756.1); c.1125+16C>T (NM_172057.3, NM_001204798.2); c.2145+16C>T (NM_172056.3); c.1968+16C>T (NM_001406755.1); c.1845+16C>T (NM_001406757.1).
Identifiers: ClinVar variation 1098754 (VCV001098754.11), dbSNP rs41314369, ClinGen allele CA030882.
Genomic context (GRCh38, chr7:150,950,905, plus strand): 5'-CTGTGCCAAGAGGTTCCCCTCTGCCACCCCACTCTTCCCAGCCTGCCACCCACTGGCCAC[G>A]CTCTGGTGGCCTCACCGCGTTCATGTCGATGCCGTTGGTGTAGGACCAGGCGTGCTGGAA-3'